The following is an entry in ClinVar:

ClinVar aggregate classification (germline): Pathogenic. Review status: criteria provided, multiple submitters, no conflicts (2 of 4 stars). 2 submissions from 2 submitters: Pathogenic (2). Last evaluated 2019-09-30.

Conditions:
Cardiovascular phenotype. Identifiers: MedGen CN230736.

Submissions (2):

GeneDx
Classification: Pathogenic. Last evaluated: 2019-09-30. Review status: criteria provided, single submitter. Criteria: GeneDx Variant Classification Process June 2021. Collection method: clinical testing. Allele origin: germline. Affected: yes.
Comment: Has not been previously published as pathogenic or benign to our knowledge; Not observed in large population cohorts (Lek et al., 2016); Nonsense variant predicted to result in protein truncation or nonsense mediated decay in a gene for which loss-of-function is a known mechanism of disease

Ambry Genetics
Classification: Pathogenic for Cardiovascular phenotype. Last evaluated: 2018-05-11. Review status: criteria provided, single submitter. Criteria: Ambry Variant Classification Scheme 2023. Collection method: clinical testing. Allele origin: germline.
Comment: The p.S250* pathogenic mutation (also known as c.749C>A), located in coding exon 4 of the KCNH2 gene, results from a C to A substitution at nucleotide position 749. This changes the amino acid from a serine to a stop codon within coding exon 4. This alteration is expected to result in loss of function by premature protein truncation or nonsense-mediated mRNA decay. As such, this alteration is interpreted as a disease-causing mutation.

NM_000238.4(KCNH2):c.749C>A (p.Ser250Ter)

Gene: KCNH2 (potassium voltage-gated channel subfamily H member 2; minus strand). Cytogenetic location: 7q36.1.
Variant type: single nucleotide variant.
Coding change: c.749C>A on transcript NM_000238.4 (MANE Select); coding-DNA position 749, C replaced by A.
Protein change: p.Ser250Ter; replaces serine 250 with a stop codon.
Molecular consequence: nonsense.
Genome position (GRCh38, 1-based): chr7:150,958,226, G>T on the plus strand (C>A on the coding strand, the complement: KCNH2 is on the minus strand). VCF-style: chr7-150958226-G-T. GRCh37 (hg19) VCF-style: chr7-150655314-G-T.
Other names: p.S250*:TCG>TAG; c.461C>A, p.Ser154Ter (NM_001406753.1, NM_001406756.1); c.572C>A, p.Ser191Ter (NM_001406755.1); c.449C>A, p.Ser150Ter (NM_001406757.1); c.749C>A, p.Ser250Ter (NM_172056.3); short protein forms S250*, S150*, S154*, S191*.
Identifiers: ClinVar variation 200301 (VCV000200301.7), dbSNP rs794728360, ClinGen allele CA008733.